The following is an entry in ClinVar:

ClinVar aggregate classification (germline): Uncertain significance (1 of 4 stars; one submission).

Conditions:
Dyskeratosis congenita, autosomal dominant 1 (DKCA1). Also called: Dyskeratosis congenita Scoggins type. Identifiers: Orphanet 1775, MedGen C4551974, MONDO:0007485, OMIM 127550. Inheritance: Variable.

Allele frequency attached by ClinVar (database versions not stated): gnomAD 0.00001.
gnomAD v4.1: 1 of 710,482 alleles (0.00014%); highest among the groups gnomAD compares: African/African-American, 0.0017%; no homozygotes.

Submission:

Labcorp Genetics (formerly Invitae), Labcorp
Classification: Uncertain significance for Dyskeratosis congenita, autosomal dominant 1. Last evaluated: 2023-07-25. Review status: criteria provided, single submitter. Criteria: Invitae Variant Classification Sherloc (09022015). Collection method: clinical testing. Allele origin: germline.
Comment: In summary, the available evidence is currently insufficient to determine the role of this variant in disease. Therefore, it has been classified as a Variant of Uncertain Significance. This variant is located within the BoxH/ACA scaRNA domain of the TERC RNA component, which is required for telomerase activity (PMID: 21844345). ClinVar contains an entry for this variant (Variation ID: 846102). This variant has not been reported in the literature in individuals affected with TERC-related conditions. This variant is present in population databases (no rsID available, gnomAD 0.01%). This variant occurs in the TERC gene, which encodes an RNA molecule that does not result in a protein product.

Literature cited by the submitters: PubMed 21844345.

NC_000003.12:g.169764629T>C

Gene: TERC (telomerase RNA component; minus strand). Cytogenetic location: 3q26.2.
Variant type: single nucleotide variant.
Genome position: GRCh38 VCF-style: chr3-169764629-T-C. GRCh37 (hg19) VCF-style: chr3-169482417-T-C.
Identifiers: ClinVar variation 846102 (VCV000846102.9), dbSNP rs1479831336, ClinGen allele CA436714746.